The following is an entry in ClinVar:

ClinVar aggregate classification (germline): Conflicting classifications of pathogenicity. Review status: criteria provided, conflicting classifications (1 of 4 stars). 3 submissions from 3 submitters: Uncertain significance (2); Likely benign (1). Last evaluated 2023-03-23.

Conditions:
Hereditary cancer-predisposing syndrome. Also called: Neoplastic Syndromes, Hereditary; Hereditary Cancer Syndrome; Tumor predisposition; Hereditary neoplastic syndrome. Identifiers: Orphanet 140162, MedGen C0027672, MeSH D009386, MONDO:0015356.
Hereditary breast ovarian cancer syndrome. Also called: Hereditary breast and ovarian cancer syndrome; Hereditary breast and ovarian cancer syndrome (HBOC); BRCA1- and BRCA2-Associated Hereditary Breast and Ovarian Cancer; Hereditary breast and ovarian cancer; Hereditary breast and/or ovarian cancer syndrome; Breast and ovarian cancer. Identifiers: Orphanet 145, MedGen C0677776, MeSH D061325, MONDO:0003582. Disease mechanism: loss of function.

Submissions (3):

University of Washington Department of Laboratory Medicine, University of Washington
Classification: Likely benign for Hereditary cancer-predisposing syndrome. Last evaluated: 2023-03-23. Review status: criteria provided, single submitter. Criteria: Dines et al. (Genet Med. 2020). Collection method: curation. Allele origin: germline.
Comment: Missense variant in a coldspot region where missense variants are very unlikely to be pathogenic (PMID:31911673).

BRCA2 exon 11 coldspot. Reclassification based on statistical prior probability.

Labcorp Genetics (formerly Invitae), Labcorp
Classification: Uncertain significance for Hereditary breast ovarian cancer syndrome. Last evaluated: 2022-11-06. Review status: criteria provided, single submitter. Criteria: Invitae Variant Classification Sherloc (09022015). Collection method: clinical testing. Allele origin: germline.
Comment: In summary, the available evidence is currently insufficient to determine the role of this variant in disease. Therefore, it has been classified as a Variant of Uncertain Significance. Advanced modeling of protein sequence and biophysical properties (such as structural, functional, and spatial information, amino acid conservation, physicochemical variation, residue mobility, and thermodynamic stability) performed at Invitae indicates that this missense variant is not expected to disrupt BRCA2 protein function. ClinVar contains an entry for this variant (Variation ID: 1038272). This variant has not been reported in the literature in individuals affected with BRCA2-related conditions. This variant is not present in population databases (gnomAD no frequency). This sequence change replaces lysine, which is basic and polar, with glutamine, which is neutral and polar, at codon 1789 of the BRCA2 protein (p.Lys1789Gln).

Ambry Genetics
Classification: Uncertain significance for Hereditary cancer-predisposing syndrome. Last evaluated: 2021-07-12. Review status: criteria provided, single submitter. Criteria: Ambry Variant Classification Scheme 2023. Collection method: clinical testing. Allele origin: germline.
Comment: The p.K1789Q variant (also known as c.5365A>C), located in coding exon 10 of the BRCA2 gene, results from an A to C substitution at nucleotide position 5365. The lysine at codon 1789 is replaced by glutamine, an amino acid with similar properties. This amino acid position is poorly conserved in available vertebrate species. In addition, this alteration is predicted to be tolerated by in silico analysis. Since supporting evidence is limited at this time, the clinical significance of this alteration remains unclear.

NM_000059.4(BRCA2):c.5365A>C (p.Lys1789Gln)

Gene: BRCA2 (BRCA2 DNA repair associated; plus strand). Cytogenetic location: 13q13.1.
Variant type: single nucleotide variant.
Coding change: c.5365A>C on transcript NM_000059.4 (MANE Select); coding-DNA position 5365, A replaced by C.
Protein change: p.Lys1789Gln; replaces lysine 1789 with glutamine.
Molecular consequence: missense variant.
Genome position (GRCh38, 1-based): chr13:32,339,720, A>C. VCF-style: chr13-32339720-A-C. GRCh37 (hg19) VCF-style: chr13-32913857-A-C.
Other names: short protein forms K1789Q.
Identifiers: ClinVar variation 1038272 (VCV001038272.12), dbSNP rs587782240, ClinGen allele CA387785116.